The following is an entry in ClinVar:

NM_005045.4(RELN):c.577+7G>T

Gene: RELN (reelin; minus strand). Cytogenetic location: 7q22.1.
Variant type: single nucleotide variant.
Coding change: c.577+7G>T on transcript NM_005045.4 (MANE Select); 7 bases into the intron after coding-DNA position 577, G replaced by T.
Molecular consequence: intron variant.
Genome position (GRCh38, 1-based): chr7:103,753,175, C>A on the plus strand (G>T on the coding strand, the complement: RELN is on the minus strand). VCF-style: chr7-103753175-C-A. GRCh37 (hg19) VCF-style: chr7-103393622-C-A.
Other names: c.577+7G>T (NM_173054.3).
Identifiers: ClinVar variation 497992 (VCV000497992.38), dbSNP rs188372756, ClinGen allele CA4422537.

ClinVar aggregate classification (germline): Conflicting classifications of pathogenicity. Review status: criteria provided, conflicting classifications (1 of 4 stars). 7 submissions from 7 submitters: Uncertain significance (2); Benign (1); Likely benign (3). 1 of the submissions does not count toward it. Last evaluated 2026-01-13.

Conditions:
Norman-Roberts syndrome (LIS2). Also called: Lissencephaly 2 (Norman-Roberts type). Identifiers: Orphanet 89844, MedGen C0796089, MONDO:0009760, OMIM 257320.
RELN-related disorder. Also called: RELN-related condition.
Familial temporal lobe epilepsy 7. Identifiers: Orphanet 101046, MedGen C4225327, MONDO:0014639, OMIM 616436.

Allele frequency attached by ClinVar (database versions not stated): gnomAD exomes 0.00009 and 0.00021; ExAC 0.00029; ESP Exome Variant Server 0.00046; gnomAD 0.00082 and 0.00091; TOPMed 0.00089; 1000 Genomes Project 0.00100; 1000 Genomes Project 30x 0.00125.
gnomAD v4.1: 254 of 1,613,834 alleles (0.016%); highest among the groups gnomAD compares: African/African-American, 0.32%; no homozygotes.

Submissions (7):

Labcorp Genetics (formerly Invitae), Labcorp
Classification: Benign for Familial temporal lobe epilepsy 7; Norman-Roberts syndrome. Last evaluated: 2026-01-13. Review status: criteria provided, single submitter. Criteria: Invitae Variant Classification Sherloc (09022015). Collection method: clinical testing. Allele origin: germline.

CeGaT Center for Human Genetics Tuebingen
Classification: Likely benign. Last evaluated: 2024-04-01. Review status: criteria provided, single submitter. Criteria: CeGaT Center For Human Genetics Tuebingen Variant Classification Criteria Version 2. Collection method: clinical testing. Allele origin: germline. Affected: yes. Observed: 1 variant allele.
Comment: RELN: BP4

Blueprint Genetics
Classification: Likely benign. Last evaluated: 2023-10-10. Review status: criteria provided, single submitter. Criteria: ACMG Guidelines, 2015. Collection method: clinical testing. Allele origin: germline.

Eurofins Ntd Llc (ga)
Classification: Uncertain significance. Last evaluated: 2018-06-11. Review status: criteria provided, single submitter. Criteria: EGL ClinVar v180209 classification definitions. Collection method: clinical testing. Allele origin: germline. Observed: 2 variant alleles, 2 heterozygotes.

Baylor Genetics
Classification: Uncertain significance for Norman-Roberts syndrome. Last evaluated: 2018-01-30. Review status: criteria provided, single submitter. Criteria: ACMG Guidelines, 2015. Collection method: clinical testing. Allele origin: maternal. Affected: yes.
Comment: This variant was determined to be of uncertain significance according to ACMG Guidelines, 2015 [PMID:25741868].

GeneDx
Classification: Likely benign. Last evaluated: 2017-12-08. Review status: criteria provided, single submitter. Criteria: GeneDx Variant Classification (06012015). Collection method: clinical testing. Allele origin: germline. Affected: yes.
Comment: This variant is considered likely benign or benign based on one or more of the following criteria: it is a conservative change, it occurs at a poorly conserved position in the protein, it is predicted to be benign by multiple in silico algorithms, and/or has population frequency not consistent with disease.

PreventionGenetics, part of Exact Sciences
Classification: Likely benign for RELN-related condition. Last evaluated: 2022-04-20. Review status: no assertion criteria provided. Collection method: clinical testing. Allele origin: germline. Not counted in ClinVar's aggregate classification.
Comment: This variant is classified as likely benign based on ACMG/AMP sequence variant interpretation guidelines (Richards et al. 2015 PMID: 25741868, with internal and published modifications).